The following is an entry in ClinVar:

ClinVar aggregate classification (germline): Uncertain significance. Review status: criteria provided, multiple submitters, no conflicts (2 of 4 stars). 2 submissions from 2 submitters: Uncertain significance (2). Last evaluated 2024-07-20.

Conditions:
FN1-related disorder. Also called: FN1-related condition.

Allele frequency attached by ClinVar (database versions not stated): gnomAD exomes below 0.00001.
gnomAD v4.1: 7 of 1,614,068 alleles (0.00043%); highest among the groups gnomAD compares: East Asian, 0.0022%; no homozygotes.

Submissions (2):

Labcorp Genetics (formerly Invitae), Labcorp
Classification: Uncertain significance. Last evaluated: 2024-07-20. Review status: criteria provided, single submitter. Criteria: Invitae Variant Classification Sherloc (09022015). Collection method: clinical testing. Allele origin: germline.
Comment: This sequence change replaces aspartic acid, which is acidic and polar, with glutamic acid, which is acidic and polar, at codon 745 of the FN1 protein (p.Asp745Glu). This variant is not present in population databases (gnomAD no frequency). This variant has not been reported in the literature in individuals affected with FN1-related conditions. ClinVar contains an entry for this variant (Variation ID: 2633753). Advanced modeling of protein sequence and biophysical properties (such as structural, functional, and spatial information, amino acid conservation, physicochemical variation, residue mobility, and thermodynamic stability) performed at Invitae indicates that this missense variant is not expected to disrupt FN1 protein function with a negative predictive value of 80%. In summary, the available evidence is currently insufficient to determine the role of this variant in disease. Therefore, it has been classified as a Variant of Uncertain Significance.

PreventionGenetics, part of Exact Sciences
Classification: Uncertain significance for FN1-related condition. Last evaluated: 2023-03-30. Review status: criteria provided, single submitter. Criteria: ACMG Guidelines, 2015. Collection method: clinical testing. Allele origin: germline.
Comment: The FN1 c.2235C>A variant is predicted to result in the amino acid substitution p.Asp745Glu. To our knowledge, this variant has not been reported in the literature. This variant is reported in 0.00088% of alleles in individuals of European (Non-Finnish) descent in gnomAD. At this time, the clinical significance of this variant is uncertain due to the absence of conclusive functional and genetic evidence.

NM_212482.4(FN1):c.2235C>A (p.Asp745Glu)

Gene: FN1 (fibronectin 1; minus strand). Cytogenetic location: 2q35.
Variant type: single nucleotide variant.
Coding change: c.2235C>A on transcript NM_212482.4 (MANE Select); coding-DNA position 2235, C replaced by A.
Protein change: p.Asp745Glu; replaces aspartic acid 745 with glutamic acid.
Molecular consequence: missense variant.
Genome position (GRCh38, 1-based): chr2:215,409,627, G>T on the plus strand (C>A on the coding strand, the complement: FN1 is on the minus strand). VCF-style: chr2-215409627-G-T. GRCh37 (hg19) VCF-style: chr2-216274350-G-T.
Other names: c.2235C>A, p.Asp745Glu (NM_001306129.2, NM_001306130.2, NM_001306131.2 and 13 more transcripts); short protein forms D745E.
Identifiers: ClinVar variation 2633753 (VCV002633753.3), dbSNP rs775616995, ClinGen allele CA64868796.